The following is an entry in ClinVar:

NM_198551.4(MIA3):c.5087G>A (p.Arg1696Gln)

Gene: MIA3 (MIA SH3 domain ER export factor 3; plus strand). Cytogenetic location: 1q41.
Variant type: single nucleotide variant.
Coding change: c.5087G>A on transcript NM_198551.4 (MANE Select); coding-DNA position 5087, G replaced by A.
Protein change: p.Arg1696Gln; replaces arginine 1696 with glutamine.
Molecular consequence: missense variant.
Genome position (GRCh38, 1-based): chr1:222,660,288, G>A. VCF-style: chr1-222660288-G-A. GRCh37 (hg19) VCF-style: chr1-222833630-G-A.
Other names: c.5087G>A (NM_198551.2); c.1721G>A, p.Arg574Gln (NM_001300867.2, NM_001324065.2); c.5087G>A, p.Arg1696Gln (NM_001324062.2); c.4910G>A, p.Arg1637Gln (NM_001324063.2); c.4595G>A, p.Arg1532Gln (NM_001324064.2); short protein forms R1532Q, R1637Q, R1696Q, R574Q.
Identifiers: ClinVar variation 3236424 (VCV003236424.3), dbSNP rs766523561, ClinGen allele CA1407603.

ClinVar aggregate classification (germline): Uncertain significance. Review status: criteria provided, multiple submitters, no conflicts (2 of 4 stars). 2 submissions from 2 submitters: Uncertain significance (2). Last evaluated 2025-12-11.

Conditions:
Odontochondrodysplasia 2 with hearing loss and diabetes. Also called: Ondontochondrodysplasia 2 with hearing loss and diabetes. Identifiers: MedGen C5543275, MONDO:0031010, OMIM 619269.
Inborn genetic diseases. Identifiers: MedGen C0950123, MeSH D030342.

Allele frequency attached by ClinVar (database versions not stated): ExAC 0.00002; gnomAD 0.00002; TOPMed 0.00004; gnomAD exomes 0.00001.
gnomAD v4.1: 17 of 1,613,624 alleles (0.0011%); highest among the groups gnomAD compares: East Asian, 0.0022%; no homozygotes.

Submissions (2):

Ambry Genetics
Classification: Uncertain significance for Inborn genetic diseases. Last evaluated: 2025-12-11. Review status: criteria provided, single submitter. Criteria: Ambry Variant Classification Scheme 2023. Collection method: clinical testing. Allele origin: germline.

Neuberg Centre For Genomic Medicine, NCGM
Classification: Uncertain significance for Odontochondrodysplasia 2 with hearing loss and diabetes. Review status: criteria provided, single submitter. Criteria: ACMG Guidelines, 2015. Collection method: clinical testing. Allele origin: germline. Inheritance: Autosomal recessive inheritance. Affected: yes.
Comment: The missense variant c.5087G>A p.Arg1696Gln in the MIA3 gene has not been reported previously as a pathogenic variant nor as a benign variant, to our knowledge. This variant is reported with the allele frequency 0.002% in the gnomAD Exomes and novel not in any individuals in 1000 Genomes. The amino acid Arginine at position 1696 is changed to a Glutamine changing protein sequence and it might alter its composition and physico-chemical properties. The variant is predicted as damaging by SIFT. The amino acid change p.Arg1696Gln in MIA3 is predicted as conserved by GERP++ and PhyloP across 100 vertebrates. For these reasons, this variant has been classified as Uncertain Significance.